The following is an entry in ClinVar:

ClinVar aggregate classification (germline): Uncertain significance (1 of 4 stars; one submission).

Conditions:
Familial cancer of breast. Also called: Hereditary breast cancer; hereditary breast carcinoma; BREAST CANCER, FAMILIAL. Identifiers: Orphanet 227535, MedGen C0346153, MONDO:0016419, OMIM 114480. Disease mechanism: loss of function.

Submission:

Labcorp Genetics (formerly Invitae), Labcorp
Classification: Uncertain significance for Familial cancer of breast. Last evaluated: 2023-09-20. Review status: criteria provided, single submitter. Criteria: Invitae Variant Classification Sherloc (09022015). Collection method: clinical testing. Allele origin: germline.
Comment: In summary, the available evidence is currently insufficient to determine the role of this variant in disease. Therefore, it has been classified as a Variant of Uncertain Significance. Experimental studies and prediction algorithms are not available or were not evaluated, and the functional significance of this variant is currently unknown. This variant has not been reported in the literature in individuals affected with BARD1-related conditions. This variant results in a copy number gain of the genomic region encompassing exon(s) 8-11 of the BARD1 gene. This region includes the termination codon of the gene. This copy number gain extends beyond the assayed region for this gene and therefore may encompass additional genes. As the precise location of this event is unknown, it may be in tandem or it may be located elsewhere in the genome.

NC_000002.11:g.(?_215593400)_(215610588_?)dup

Gene: BARD1 (BRCA1 associated RING domain 1; minus strand). Cytogenetic location: 2q35.
Variant type: Duplication.
Identifiers: ClinVar variation 2423129 (VCV002423129.4).